The following is an entry in ClinVar:

NM_000090.4(COL3A1):c.2974C>A (p.Arg992Ser)

Gene: COL3A1 (collagen type III alpha 1 chain; plus strand). Cytogenetic location: 2q32.2.
Variant type: single nucleotide variant.
Coding change: c.2974C>A on transcript NM_000090.4 (MANE Select); coding-DNA position 2974, C replaced by A.
Protein change: p.Arg992Ser; replaces arginine 992 with serine.
Molecular consequence: missense variant.
Genome position (GRCh38, 1-based): chr2:189,005,392, C>A. VCF-style: chr2-189005392-C-A. GRCh37 (hg19) VCF-style: chr2-189870118-C-A.
Other names: short protein forms R992S.
Identifiers: ClinVar variation 1172341 (VCV001172341.13), dbSNP rs1431359737, ClinGen allele CA349844760.

ClinVar aggregate classification (germline): Uncertain significance. Review status: criteria provided, multiple submitters, no conflicts (2 of 4 stars). 7 submissions from 7 submitters: Uncertain significance (6). 1 of the submissions does not count toward it. Last evaluated 2026-03-09.

Conditions:
Ehlers-Danlos syndrome, type 4 (EDSVASC). Also called: Ehlers-Danlos syndrome vascular type; Ehlers Danlos syndrome, ecchymotic type; Ehlers Danlos syndrome, arterial type; Ehlers Danlos syndrome, Sack-Barabas type; Ehlers-Danlos Syndrome Type IV. Identifiers: Orphanet 286, MedGen C0268338, MONDO:0017314, OMIM 130050.
Familial thoracic aortic aneurysm and aortic dissection (TAAD). Also called: Thoracic aortic aneurysms and dissections. Identifiers: Orphanet 91387, MedGen C4707243, MONDO:0019625.
Polymicrogyria with or without vascular-type Ehlers-Danlos syndrome. Identifiers: Orphanet 636941, MedGen C5193040, MONDO:0032688, OMIM 618343.
COL3A1-related disorder. Also called: COL3A1-related condition.

Allele frequency attached by ClinVar (database versions not stated): TOPMed below 0.00001; gnomAD 0.00001.
gnomAD v4.1: 11 of 1,613,898 alleles (0.00068%); highest among the groups gnomAD compares: Non-Finnish European, 0.00093%; no homozygotes.

Submissions (7):

Ambry Genetics
Classification: Uncertain significance for Familial thoracic aortic aneurysm and aortic dissection. Last evaluated: 2026-03-09. Review status: criteria provided, single submitter. Criteria: Ambry Variant Classification Scheme 2023. Collection method: clinical testing. Allele origin: germline.
Comment: The p.R992S variant (also known as c.2974C>A), located in coding exon 41 of the COL3A1 gene, results from a C to A substitution at nucleotide position 2974. The arginine at codon 992 is replaced by serine, an amino acid with dissimilar properties. This variant was reported in individual(s) with features consistent with hypermobility (Leone MP et al. Hum Genet, 2023 Jun;142:785-808). This amino acid position is highly conserved in available vertebrate species. In addition, this alteration is predicted to be deleterious by in silico analysis. Based on the available evidence, the clinical significance of this variant remains unclear.

Color Diagnostics, LLC DBA Color Health
Classification: Uncertain significance for Familial thoracic aortic aneurysm and aortic dissection. Last evaluated: 2025-07-29. Review status: criteria provided, single submitter. Criteria: ACMG Guidelines, 2015. Collection method: clinical testing. Allele origin: germline.
Comment: This missense variant replaces arginine with serine at codon 992 of the COL3A1 protein. Computational prediction is inconclusive regarding the impact of this variant on protein structure and function. To our knowledge, functional studies have not been reported for this variant. This variant has been reported in an individual affected with vascular Ehlers Danlos syndrome (PMID: 37079061). This variant has been identified in 1/31404 chromosomes in the general population by the Genome Aggregation Database (gnomAD). The available evidence is insufficient to determine the role of this variant in disease conclusively. Therefore, this variant is classified as a Variant of Uncertain Significance.

Laboratory of Genetics, Children's Clinical University Hospital Latvia
Classification: Uncertain significance. Last evaluated: 2025-02-16. Review status: criteria provided, single submitter. Criteria: ACMG Guidelines, 2015. Collection method: clinical testing. Allele origin: germline. Affected: yes.

Labcorp Genetics (formerly Invitae), Labcorp
Classification: Uncertain significance for Ehlers-Danlos syndrome, type 4. Last evaluated: 2024-07-02. Review status: criteria provided, single submitter. Criteria: Invitae Variant Classification Sherloc (09022015). Collection method: clinical testing. Allele origin: germline.
Comment: This sequence change replaces arginine, which is basic and polar, with serine, which is neutral and polar, at codon 992 of the COL3A1 protein (p.Arg992Ser). This variant is present in population databases (no rsID available, gnomAD 0.007%). This missense change has been observed in individual(s) with vascular Ehlers-Danlos syndrome (PMID: 37079061). ClinVar contains an entry for this variant (Variation ID: 1172341). Advanced modeling of protein sequence and biophysical properties (such as structural, functional, and spatial information, amino acid conservation, physicochemical variation, residue mobility, and thermodynamic stability) has been performed at Invitae for this missense variant, however the output from this modeling did not meet the statistical confidence thresholds required to predict the impact of this variant on COL3A1 protein function. In summary, the available evidence is currently insufficient to determine the role of this variant in disease. Therefore, it has been classified as a Variant of Uncertain Significance.

All of Us Research Program, National Institutes of Health
Classification: Uncertain significance for Ehlers-Danlos syndrome, type 4. Last evaluated: 2023-12-01. Review status: criteria provided, single submitter. Criteria: ACMG Guidelines, 2015. Collection method: clinical testing. Allele origin: germline. Inheritance: Autosomal dominant inheritance. Observed: 3 variant alleles, 3 heterozygotes.
Comment: This missense variant replaces arginine with serine at codon 992 of the COL3A1 protein. Computational prediction is inconclusive regarding the impact of this variant on protein structure and function (internally defined REVEL score threshold 0.5 < inconclusive < 0.7, PMID: 27666373). To our knowledge, functional studies have not been reported for this variant. This variant has not been reported in individuals affected with cardiovascular disorders in the literature. This variant has been identified in 1/31404 chromosomes in the general population by the Genome Aggregation Database (gnomAD). The available evidence is insufficient to determine the role of this variant in disease conclusively. Therefore, this variant is classified as a Variant of Uncertain Significance.

This study involves interpretation of variants in research participants for the purpose of population health screening. Participant phenotype was not available at the time of variant classification. Additional details can be found in publication PMID: 35346344, PMCID: PMC8962531

Fulgent Genetics
Classification: Uncertain significance for Ehlers-Danlos syndrome, type 4; Polymicrogyria with or without vascular-type Ehlers-Danlos syndrome. Last evaluated: 2021-10-29. Review status: criteria provided, single submitter. Criteria: ACMG Guidelines, 2015. Collection method: clinical testing. Allele origin: unknown.

PreventionGenetics, part of Exact Sciences
Classification: Uncertain significance for COL3A1-related condition. Last evaluated: 2023-11-08. Review status: no assertion criteria provided. Collection method: clinical testing. Allele origin: germline. Not counted in ClinVar's aggregate classification.
Comment: The COL3A1 c.2974C>A variant is predicted to result in the amino acid substitution p.Arg992Ser. To our knowledge, this variant has not been reported in the literature. This variant is reported in 0.0065% of alleles in individuals of European (Non-Finnish) descent in gnomAD. At this time, the clinical significance of this variant is uncertain due to the absence of conclusive functional and genetic evidence.

Literature cited by the submitters: PubMed 37079061 (cited by 3 submitters).